The following is an entry in ClinVar:

ClinVar aggregate classification (germline): Uncertain significance (1 of 4 stars; one submission).

Conditions:
Methylmalonic acidemia due to transcobalamin receptor defect (MATR). Also called: METHYLMALONIC ACIDURIA, TRANSIENT, DUE TO TRANSCOBALAMIN RECEPTOR DEFECT; METHYLMALONIC ACIDEMIA, TCblR TYPE. Identifiers: Orphanet 280183, MedGen C4749905, MONDO:0013341, OMIM 613646.

Allele frequency attached by ClinVar (database versions not stated): ExAC below 0.00001; gnomAD exomes below 0.00001 and 0.00001; gnomAD 0.00001.
gnomAD v4.1: 8 of 1,590,830 alleles (0.0005%); highest among the groups gnomAD compares: Non-Finnish European, 0.00051%; no homozygotes.

Submission:

Labcorp Genetics (formerly Invitae), Labcorp
Classification: Uncertain significance for Methylmalonic acidemia due to transcobalamin receptor defect. Last evaluated: 2019-02-20. Review status: criteria provided, single submitter. Criteria: Invitae Variant Classification Sherloc (09022015). Collection method: clinical testing. Allele origin: germline.
Comment: This variant has not been reported in the literature in individuals with CD320-related conditions. The frequency data for this variant in the population databases is considered unreliable, as metrics indicate poor data quality at this position in the ExAC database. This sequence change replaces glycine with valine at codon 135 of the CD320 protein (p.Gly135Val). The glycine residue is highly conserved and there is a moderate physicochemical difference between glycine and valine. Algorithms developed to predict the effect of missense changes on protein structure and function are either unavailable or do not agree on the potential impact of this missense change (SIFT: "Deleterious"; PolyPhen-2: "Probably Damaging"; Align-GVGD: "Class C15"). In summary, the available evidence is currently insufficient to determine the role of this variant in disease. Therefore, it has been classified as a Variant of Uncertain Significance.

NM_016579.4(CD320):c.404G>T (p.Gly135Val)

Gene: CD320 (CD320 molecule; minus strand). Cytogenetic location: 19p13.2.
Variant type: single nucleotide variant.
Coding change: c.404G>T on transcript NM_016579.4 (MANE Select); coding-DNA position 404, G replaced by T.
Protein change: p.Gly135Val; replaces glycine 135 with valine.
Molecular consequence: missense variant.
Genome position (GRCh38, 1-based): chr19:8,303,953, C>A on the plus strand (G>T on the coding strand, the complement: CD320 is on the minus strand). VCF-style: chr19-8303953-C-A. GRCh37 (hg19) VCF-style: chr19-8368837-C-A.
Other names: c.278G>T, p.Gly93Val (NM_001165895.2); short protein forms G135V, G93V.
Identifiers: ClinVar variation 841109 (VCV000841109.9), dbSNP rs751841592, ClinGen allele CA9154748.